The following is an entry in ClinVar:

NM_020778.5(ALPK3):c.858_893del (p.Glu286_Cys297del)

Gene: ALPK3 (alpha kinase 3; plus strand). Cytogenetic location: 15q25.3.
Variant type: Deletion.
Coding change: c.858_893del on transcript NM_020778.5 (MANE Select); coding-DNA positions 858 to 893, 36 bases deleted.
Protein change: p.Glu286_Cys297del.
Molecular consequence: inframe deletion.
Genome position (GRCh38, 1-based): chr15:84,840,137-84,840,172, 36 bases deleted; deleting any 36 consecutive bases within chr15:84,840,135-84,840,172 gives the same sequence; the c. name uses the placement nearest the transcript's 3' end. GRCh37 (hg19): chr15:85,383,368-85,383,403.
Identifiers: ClinVar variation 2977191 (VCV002977191.3), dbSNP rs780602211, ClinGen allele CA7709084.
Genomic context (GRCh38, chr15:84,840,134, plus strand): 5'-GATCAACAGTTTTGCTTCTGGAGAAGTGACCACCAACGGGGAGGCTGCCCCCGAGAATGG[AGAGGACGGAGAGCATGGCTTGCTGACATACATCTGT>A]GACGCCATGGAGCTGGGGCCTCAGAGAGCCCTCAAAGAGGAGAGTGGGGCCAAGAAGAAA-3'

ClinVar aggregate classification (germline): Uncertain significance (1 of 4 stars; one submission).

Submission:

Labcorp Genetics (formerly Invitae), Labcorp
Classification: Uncertain significance. Last evaluated: 2023-12-06. Review status: criteria provided, single submitter. Criteria: Invitae Variant Classification Sherloc (09022015). Collection method: clinical testing. Allele origin: germline.
Comment: This variant, c.1464_1499del, results in the deletion of 12 amino acid(s) of the ALPK3 protein (p.Glu488_Cys499del), but otherwise preserves the integrity of the reading frame. This variant is present in population databases (rs780602211, gnomAD 0.003%). This variant has not been reported in the literature in individuals affected with ALPK3-related conditions. Experimental studies and prediction algorithms are not available or were not evaluated, and the functional significance of this variant is currently unknown. In summary, the available evidence is currently insufficient to determine the role of this variant in disease. Therefore, it has been classified as a Variant of Uncertain Significance.